The following is an entry in ClinVar:

NM_001042492.3(NF1):c.8162A>G (p.Gln2721Arg)

Gene: NF1 (neurofibromin 1; plus strand). Cytogenetic location: 17q11.2.
Variant type: single nucleotide variant.
Coding change: c.8162A>G on transcript NM_001042492.3 (MANE Select); coding-DNA position 8162, A replaced by G.
Protein change: p.Gln2721Arg; replaces glutamine 2721 with arginine.
Molecular consequence: missense variant.
Genome position (GRCh38, 1-based): chr17:31,360,488, A>G. VCF-style: chr17-31360488-A-G. GRCh37 (hg19) VCF-style: chr17-29687506-A-G.
Other names: c.8099A>G, p.Gln2700Arg (NM_000267.4); short protein forms Q2700R, Q2721R.
Identifiers: ClinVar variation 229065 (VCV000229065.21), dbSNP rs876657933, ClinGen allele CA10577039.

ClinVar aggregate classification (germline): Conflicting classifications of pathogenicity. Review status: criteria provided, conflicting classifications (1 of 4 stars). 9 submissions from 9 submitters: Uncertain significance (7); Likely benign (1). 1 of the submissions does not count toward it. Last evaluated 2024-05-22.

Conditions:
Hereditary cancer-predisposing syndrome. Also called: Neoplastic Syndromes, Hereditary; Hereditary Cancer Syndrome; Tumor predisposition; Hereditary neoplastic syndrome. Identifiers: Orphanet 140162, MedGen C0027672, MeSH D009386, MONDO:0015356.
Cardiovascular phenotype. Identifiers: MedGen CN230736.
Neurofibromatosis, type 1 (NF1). Also called: Peripheral type neurofibromatosis; Neurofibromatosis, type I; VON RECKLINGHAUSEN DISEASE; NEUROFIBROMATOSIS, TYPE I, SOMATIC. Identifiers: Orphanet 636, MedGen C0027831, MONDO:0018975, OMIM 162200. Disease mechanism: loss of function.
NF1-related disorder. Also called: NF1-related condition. Identifiers: MedGen CN379171.

Allele frequency attached by ClinVar (database versions not stated): gnomAD exomes below 0.00001.
gnomAD v4.1: 1 of 1,613,918 alleles (0.000062%); highest among the groups gnomAD compares: Non-Finnish European, 0.000085%; no homozygotes.

Submissions (9):

Labcorp Genetics (formerly Invitae), Labcorp
Classification: Uncertain significance for Neurofibromatosis, type 1. Last evaluated: 2024-05-22. Review status: criteria provided, single submitter. Criteria: Invitae Variant Classification Sherloc (09022015). Collection method: clinical testing. Allele origin: germline.
Comment: This sequence change replaces glutamine, which is neutral and polar, with arginine, which is basic and polar, at codon 2700 of the NF1 protein (p.Gln2700Arg). This variant is not present in population databases (gnomAD no frequency). This variant has not been reported in the literature in individuals affected with NF1-related conditions. ClinVar contains an entry for this variant (Variation ID: 229065). An algorithm developed to predict the effect of missense changes on protein structure and function (PolyPhen-2) suggests that this variant is likely to be disruptive. In summary, the available evidence is currently insufficient to determine the role of this variant in disease. Therefore, it has been classified as a Variant of Uncertain Significance.

Women's Health and Genetics/Laboratory Corporation of America, LabCorp
Classification: Uncertain significance. Last evaluated: 2023-11-16. Review status: criteria provided, single submitter. Criteria: LabCorp Variant Classification Summary - May 2015. Collection method: clinical testing. Allele origin: germline.
Comment: Variant summary: NF1 c.8099A>G (p.Gln2700Arg) results in a conservative amino acid change in the encoded protein sequence. Four of five in-silico tools predict a benign effect of the variant on protein function. In addition, this variant disrupts the second nucleotide of exon 56, and therefore can affect splicing. Consensus agreement among computation tools predict no significant impact on normal splicing. However, these predictions have yet to be confirmed by functional studies. The variant was absent in 251324 control chromosomes (gnomAD). The available data on variant occurrences in the general population are insufficient to allow any conclusion about variant significance. c.8099A>G has been reported in the literature in at least one individual with a suspected Noonan spectrum disorder (e.g., Witkowski_2020), however without strong evidence for causality (e.g., lack of co-segregation and co-occurrence data). This report therefore does not provide unequivocal conclusions about association of the variant with Neurofibromatosis Type 1. To our knowledge, no experimental evidence demonstrating an impact on protein function has been reported. The following publication was ascertained in the context of this evaluation (PMID: 32107864). Four submitters have reported clinical-significance assessments for this variant to ClinVar after 2014. All submitters classified the variant as uncertain significance. Based on the evidence outlined above, the variant was classified as uncertain significance.

Blueprint Genetics
Classification: Likely benign. Last evaluated: 2023-08-03. Review status: criteria provided, single submitter. Criteria: ACMG Guidelines, 2015. Collection method: clinical testing. Allele origin: germline.

GeneDx
Classification: Uncertain significance. Last evaluated: 2022-06-17. Review status: criteria provided, single submitter. Criteria: GeneDx Variant Classification Process June 2021. Collection method: clinical testing. Allele origin: germline. Affected: yes.
Comment: Not observed in large population cohorts (gnomAD); In silico analysis supports that this missense variant does not alter protein structure/function; Has not been previously published as pathogenic or benign to our knowledge; Also known as c.8162A>G; This variant is associated with the following publications: (PMID: 25486365)

Genome-Nilou Lab
Classification: Uncertain significance for Neurofibromatosis, type 1. Last evaluated: 2022-03-15. Review status: criteria provided, single submitter. Criteria: ACMG Guidelines, 2015. Collection method: clinical testing. Allele origin: germline. Affected: no.

Ambry Genetics
Classification: Uncertain significance for Cardiovascular phenotype; Hereditary cancer-predisposing syndrome. Last evaluated: 2016-04-22. Review status: criteria provided, single submitter. Criteria: Ambry Variant Classification Scheme 2023. Collection method: clinical testing. Allele origin: germline.

Laboratory for Molecular Medicine, Mass General Brigham Personalized Medicine
Classification: Uncertain significance. Last evaluated: 2016-02-02. Review status: criteria provided, single submitter. Criteria: LMM Criteria. Collection method: clinical testing. Allele origin: germline. Observed: 2 variant alleles.
Comment: The p.Gln2721Arg variant in NF1 has not been previously reported in individuals with a RASopathy disorder and was absent from large population studies. This var iant is located in the first two bases of the exon, which is part of the 3? spli ce region, though computational tools do not suggest an impact to splicing. Howe ver, this information is not predictive enough to rule out pathogenicity. Additi onal computational prediction tools and conservation analysis do not provide str ong support for or against an impact to the protein. In summary, the clinical si gnificance of the p.Gln2721Arg variant is uncertain.

Breakthrough Genomics
Classification: Uncertain significance. Review status: criteria provided, single submitter. Criteria: ACMG Guidelines, 2015. Collection method: not provided. Allele origin: germline. Inheritance: Autosomal dominant inheritance. Affected: yes.

PreventionGenetics, part of Exact Sciences
Classification: Uncertain significance for NF1-related condition. Last evaluated: 2024-09-13. Review status: no assertion criteria provided. Collection method: clinical testing. Allele origin: germline. Not counted in ClinVar's aggregate classification.
Comment: The NF1 c.8162A>G variant is predicted to result in the amino acid substitution p.Gln2721Arg. This variant is also referred to as p.Gln2700Arg in an alternate transcript (NM_000267). This variant has been reported to be inherited from a parent in an individual with Noonan syndrome (Table S2, Witkowski et al. 2020. PubMed ID: 32107864). This variant has not been reported in a large population database, indicating this variant is rare. At this time, the clinical significance of this variant is uncertain due to the absence of conclusive functional and genetic evidence.

Literature cited by the submitters: PubMed 32107864 (cited by Women's Health and Genetics/Laboratory Corporation of America, LabCorp).